The following is an entry in ClinVar:

ClinVar aggregate classification (germline): Uncertain significance. Review status: criteria provided, multiple submitters, no conflicts (2 of 4 stars). 6 submissions from 6 submitters: Uncertain significance (6). Last evaluated 2024-07-27.

Conditions:
Ectopia lentis 1, isolated, autosomal dominant (ECTOL1). Identifiers: Orphanet 1885, MedGen C3541518, MONDO:0007514, OMIM 129600.
Marfan syndrome (MFS). Also called: MARFAN SYNDROME, TYPE I; FBN1-Related Marfan Syndrome; Marfan syndrome, classic; Marfan syndrome type 1; Marfan's syndrome. Identifiers: Orphanet 284963, Orphanet 558, MedGen C0024796, MONDO:0007947, OMIM 154700.
Acromicric dysplasia (ACMICD). Also called: Acromicric skeletal dysplasia. Identifiers: Orphanet 969, MedGen C0265287, MONDO:0007055, OMIM 102370.
Geleophysic dysplasia 2 (GPHYSD2). Identifiers: Orphanet 2623, MedGen C3280054, MONDO:0013612, OMIM 614185.
MASS syndrome (OCTD). Also called: OVERLAP CONNECTIVE TISSUE DISEASE; MASS PHENOTYPE. Identifiers: MedGen C1858556, MONDO:0011431, OMIM 604308.
Stiff skin syndrome (SSKS). Identifiers: Orphanet 2833, MedGen C1861456, MONDO:0008492, OMIM 184900.
Weill-Marchesani syndrome 2, dominant. Also called: FBN1-Related Weill-Marchesani Syndrome; Weill-Marchesani Syndrome, Autosomal Dominant. Identifiers: Orphanet 2084, MedGen C1869115, MONDO:0012013, OMIM 608328.
Progeroid and marfanoid aspect-lipodystrophy syndrome. Also called: MARFANOID-PROGEROID-LIPODYSTROPHY SYNDROME; MARFANOID-PROGEROID SYNDROME; MARFAN-PROGEROID-LIPODYSTROPHY SYNDROME; Marfan lipodystrophy syndrome. Identifiers: Orphanet 300382, MedGen C4310796, MONDO:0014831, OMIM 616914.
Familial thoracic aortic aneurysm and aortic dissection (TAAD). Also called: Thoracic aortic aneurysms and dissections. Identifiers: Orphanet 91387, MedGen C4707243, MONDO:0019625.

Allele frequency attached by ClinVar (database versions not stated): TOPMed 0.00001; gnomAD exomes below 0.00001; ExAC 0.00001; ESP Exome Variant Server 0.00008.
gnomAD v4.1: 2 of 1,613,924 alleles (0.00012%); highest among the groups gnomAD compares: Non-Finnish European, 0.00017%; no homozygotes.

Submissions (6):

Labcorp Genetics (formerly Invitae), Labcorp
Classification: Uncertain significance for Marfan syndrome; Familial thoracic aortic aneurysm and aortic dissection. Last evaluated: 2024-07-27. Review status: criteria provided, single submitter. Criteria: Invitae Variant Classification Sherloc (09022015). Collection method: clinical testing. Allele origin: germline.
Comment: This sequence change replaces aspartic acid, which is acidic and polar, with glycine, which is neutral and non-polar, at codon 2860 of the FBN1 protein (p.Asp2860Gly). This variant is present in population databases (rs368599541, gnomAD 0.0009%). This missense change has been observed in individual(s) with Marfan syndrome (Invitae). ClinVar contains an entry for this variant (Variation ID: 200137). Advanced modeling of protein sequence and biophysical properties (such as structural, functional, and spatial information, amino acid conservation, physicochemical variation, residue mobility, and thermodynamic stability) has been performed at Invitae for this missense variant, however the output from this modeling did not meet the statistical confidence thresholds required to predict the impact of this variant on FBN1 protein function. In summary, the available evidence is currently insufficient to determine the role of this variant in disease. Therefore, it has been classified as a Variant of Uncertain Significance.

All of Us Research Program, National Institutes of Health
Classification: Uncertain significance for Marfan syndrome. Last evaluated: 2024-07-10. Review status: criteria provided, single submitter. Criteria: ACMG Guidelines, 2015. Collection method: clinical testing. Allele origin: germline. Inheritance: Autosomal dominant inheritance. Observed: 4 variant alleles, 4 heterozygotes.
Comment: This missense variant replaces aspartic acid with glycine at codon 2860 of the FBN1 protein. Computational prediction is inconclusive regarding the impact of this variant on protein structure and function (internally defined REVEL score threshold 0.5 < inconclusive < 0.7, PMID: 27666373). To our knowledge, functional studies have not been reported for this variant. This variant has not been reported in individuals affected with cardiovascular disorders in the literature. This variant has not been identified in the general population by the Genome Aggregation Database (gnomAD). The available evidence is insufficient to determine the role of this variant in disease conclusively. Therefore, this variant is classified as a Variant of Uncertain Significance.

This study involves interpretation of variants in research participants for the purpose of population health screening. Participant phenotype was not available at the time of variant classification. Additional details can be found in publication PMID: 35346344, PMCID: PMC8962531

Color Diagnostics, LLC DBA Color Health
Classification: Uncertain significance for Familial thoracic aortic aneurysm and aortic dissection. Last evaluated: 2024-06-13. Review status: criteria provided, single submitter. Criteria: ACMG Guidelines, 2015. Collection method: clinical testing. Allele origin: germline.
Comment: This missense variant replaces aspartic acid with glycine at codon 2860 of the FBN1 protein. Computational prediction tools indicate that this variant's impact on protein structure and function is inconclusive. To our knowledge, functional studies have not been reported for this variant. This variant has been reported in two individuals affected with hypermobile Ehlers Danlos syndrome (PMID: 38534782). This variant has not been identified in the general population by the Genome Aggregation Database (gnomAD). The available evidence is insufficient to determine the role of this variant in disease conclusively. Therefore, this variant is classified as a Variant of Uncertain Significance.

Fulgent Genetics
Classification: Uncertain significance for Acromicric dysplasia; Ectopia lentis 1, isolated, autosomal dominant; Marfan syndrome; Stiff skin syndrome; MASS syndrome; Weill-Marchesani syndrome 2, dominant; Geleophysic dysplasia 2; Progeroid and marfanoid aspect-lipodystrophy syndrome. Last evaluated: 2021-08-22. Review status: criteria provided, single submitter. Criteria: ACMG Guidelines, 2015. Collection method: clinical testing. Allele origin: unknown.

Johns Hopkins Genomics, Johns Hopkins University
Classification: Uncertain significance for Marfan syndrome. Last evaluated: 2020-09-11. Review status: criteria provided, single submitter. Criteria: ACMG Guidelines, 2015. Collection method: clinical testing. Allele origin: germline.
Comment: This FBN1 variant is absent from a large population dataset and has not been reported in the literature, to our knowledge. This variant has been reported in ClinVar. Of three bioinformatics tools queried, two predict that the substitution would be damaging, while one predicts that it would be tolerated. The aspartic acid residue at this position is highly evolutionarily conserved across most species assessed. Due to insufficient evidence, we consider the clinical significance of c.8579A>G to be uncertain at this time.

GeneDx
Classification: Uncertain significance. Last evaluated: 2017-10-26. Review status: criteria provided, single submitter. Criteria: GeneDx Variant Classification (06012015). Collection method: clinical testing. Allele origin: germline. Affected: yes.
Comment: The D2860G variant in the FBN1 gene has not been reported previously as a pathogenic variant, nor as a benign variant, to our knowledge. The D2860G variant is not observed at a significant frequency in large population cohorts (Lek et al., 2016). The D2860G variant is a non-conservative amino acid substitution, which is likely to impact secondary protein structure as these residues differ in polarity, charge, size and/or other properties. In-silico analyses, including protein predictors and evolutionary conservation, support a deleterious effect. We interpret D2860G as a variant of uncertain significance

Literature cited by the submitters: PubMed 38534782 (cited by Color Diagnostics, LLC DBA Color Health).

NM_000138.5(FBN1):c.8579A>G (p.Asp2860Gly)

Gene: FBN1 (fibrillin 1; minus strand). Cytogenetic location: 15q21.1.
Variant type: single nucleotide variant.
Coding change: c.8579A>G on transcript NM_000138.5 (MANE Select); coding-DNA position 8579, A replaced by G.
Protein change: p.Asp2860Gly; replaces aspartic acid 2860 with glycine.
Molecular consequence: missense variant.
Genome position (GRCh38, 1-based): chr15:48,411,027, T>C on the plus strand (A>G on the coding strand, the complement: FBN1 is on the minus strand). VCF-style: chr15-48411027-T-C. GRCh37 (hg19) VCF-style: chr15-48703224-T-C.
Other names: p.D2860G:GAT>GGT; short protein forms D2860G.
Identifiers: ClinVar variation 200137 (VCV000200137.19), dbSNP rs368599541, ClinGen allele CA017823.